The following is an entry in ClinVar:

NM_001232.4(CASQ2):c.744T>C (p.Thr248=)

Gene: CASQ2 (calsequestrin 2; minus strand). Cytogenetic location: 1p13.1.
Variant type: single nucleotide variant.
Coding change: c.744T>C on transcript NM_001232.4 (MANE Select); coding-DNA position 744, T replaced by C.
Protein change: p.Thr248=; no amino-acid change (threonine 248 retained).
Molecular consequence: synonymous variant.
Genome position (GRCh38, 1-based): chr1:115,725,547, A>G on the plus strand (T>C on the coding strand, the complement: CASQ2 is on the minus strand). VCF-style: chr1-115725547-A-G. GRCh37 (hg19) VCF-style: chr1-116268168-A-G.
Identifiers: ClinVar variation 3905977 (VCV003905977.10).

ClinVar aggregate classification (germline): Likely benign (1 of 4 stars; one submission).

Submission:

CeGaT Center for Human Genetics Tuebingen
Classification: Likely benign. Last evaluated: 2025-05-01. Review status: criteria provided, single submitter. Criteria: CeGaT Center For Human Genetics Tuebingen Variant Classification Criteria Version 2. Collection method: clinical testing. Allele origin: germline. Affected: yes. Observed: 1 variant allele.
Comment: CASQ2: PM2:Supporting, BP4, BP7